The following is an entry in ClinVar:

NM_007217.4(PDCD10):c.510C>G (p.Tyr170Ter)

Gene: PDCD10 (programmed cell death 10; minus strand). Cytogenetic location: 3q26.1.
Variant type: single nucleotide variant.
Coding change: c.510C>G on transcript NM_007217.4 (MANE Select); coding-DNA position 510, C replaced by G.
Protein change: p.Tyr170Ter; replaces tyrosine 170 with a stop codon.
Molecular consequence: nonsense.
Genome position (GRCh38, 1-based): chr3:167,687,281, G>C on the plus strand (C>G on the coding strand, the complement: PDCD10 is on the minus strand). VCF-style: chr3-167687281-G-C. GRCh37 (hg19) VCF-style: chr3-167405069-G-C.
Other names: c.510C>G, p.Tyr170Ter (NM_145859.2, NM_145860.2); short protein forms Y170*.
Identifiers: ClinVar variation 536234 (VCV000536234.7), dbSNP rs1553759059, ClinGen allele CA355154090.

ClinVar aggregate classification (germline): Pathogenic/Likely pathogenic. Review status: criteria provided, multiple submitters, no conflicts (2 of 4 stars). 2 submissions from 2 submitters: Pathogenic (1); Likely pathogenic (1). Last evaluated 2017-12-05.

Conditions:
Cerebral cavernous malformation 3. Also called: Familial Cerebral Cavernous Malformation 3. Identifiers: Orphanet 221061, MedGen C1864040, MONDO:0011305, OMIM 603285.

Submissions (2):

Labcorp Genetics (formerly Invitae), Labcorp
Classification: Pathogenic for Cerebral cavernous malformation 3. Last evaluated: 2017-12-05. Review status: criteria provided, single submitter. Criteria: Invitae Variant Classification Sherloc (09022015). Collection method: clinical testing. Allele origin: germline.
Comment: For these reasons, this variant has been classified as Pathogenic. Loss-of-function variants in PDCD10 are known to be pathogenic (PMID: 15543491, 23801932). This variant has not been reported in the literature in individuals with PDCD10-related disease. This variant is not present in population databases (ExAC no frequency). This sequence change creates a premature translational stop signal (p.Tyr170*) in the PDCD10 gene. It is expected to result in an absent or disrupted protein product.

PreventionGenetics, part of Exact Sciences
Classification: Likely pathogenic. Last evaluated: 2015-04-21. Review status: criteria provided, single submitter. Criteria: ACMG Guidelines, 2015. Collection method: clinical testing. Allele origin: germline.

Literature cited by the submitters: PubMed 15543491 (cited by Labcorp Genetics (formerly Invitae), Labcorp); PubMed 23801932 (cited by Labcorp Genetics (formerly Invitae), Labcorp).